The following is an entry in ClinVar:

ClinVar aggregate classification (germline): Uncertain significance. Review status: criteria provided, multiple submitters, no conflicts (2 of 4 stars). 8 submissions from 8 submitters: Uncertain significance (8). Last evaluated 2025-12-24.

Conditions:
Hereditary cancer-predisposing syndrome. Also called: Neoplastic Syndromes, Hereditary; Tumor predisposition; Hereditary neoplastic syndrome; Hereditary Cancer Syndrome. Identifiers: Orphanet 140162, MedGen C0027672, MeSH D009386, MONDO:0015356.
Classic or attenuated familial adenomatous polyposis. Identifiers: MedGen CN372698, MONDO:0021057.
APC-related disorder. Also called: APC-related condition.
Familial adenomatous polyposis 1 (FAP1). Also called: FAMILIAL ADENOMATOUS POLYPOSIS 1, ATTENUATED; POLYPOSIS, ADENOMATOUS INTESTINAL. Identifiers: MedGen C2713442, MONDO:0021056, OMIM 175100. Disease mechanism: loss of function.

Allele frequency attached by ClinVar (database versions not stated): gnomAD exomes below 0.00001; gnomAD 0.00001; TOPMed 0.00001.

Submissions (8):

Labcorp Genetics (formerly Invitae), Labcorp
Classification: Uncertain significance for Familial adenomatous polyposis 1. Last evaluated: 2025-12-24. Review status: criteria provided, single submitter. Criteria: Invitae Variant Classification Sherloc (09022015). Collection method: clinical testing. Allele origin: germline.
Comment: This sequence change replaces serine, which is neutral and polar, with asparagine, which is neutral and polar, at codon 1364 of the APC protein (p.Ser1364Asn). This variant is not present in population databases (gnomAD no frequency). This variant has not been reported in the literature in individuals affected with APC-related conditions. ClinVar contains an entry for this variant (Variation ID: 651430). Invitae Evidence Modeling of protein sequence and biophysical properties (such as structural, functional, and spatial information, amino acid conservation, physicochemical variation, residue mobility, and thermodynamic stability) indicates that this missense variant is not expected to disrupt APC protein function with a negative predictive value of 95%. In summary, the available evidence is currently insufficient to determine the role of this variant in disease. Therefore, it has been classified as a Variant of Uncertain Significance.

PreventionGenetics, part of Exact Sciences
Classification: Uncertain significance for APC-related condition. Last evaluated: 2025-09-10. Review status: criteria provided, single submitter. Criteria: ACMG Guidelines, 2015. Collection method: clinical testing. Allele origin: germline.
Comment: The APC c.4091G>A variant is predicted to result in the amino acid substitution p.Ser1364Asn. To our knowledge, this variant has not been reported in the literature or in a large population database (gnomAD), indicating this variant is rare. This variant has been reported as a variant of uncertain significance by multiple labs in the ClinVar database (Variation ID: 651430). At this time, the clinical significance of this variant is uncertain due to the absence of conclusive functional and genetic evidence.

Ambry Genetics
Classification: Uncertain significance for Hereditary cancer-predisposing syndrome. Last evaluated: 2025-06-20. Review status: criteria provided, single submitter. Criteria: Ambry Variant Classification Scheme 2023. Collection method: clinical testing. Allele origin: germline.
Comment: The p.S1364N variant (also known as c.4091G>A), located in coding exon 15 of the APC gene, results from a G to A substitution at nucleotide position 4091. The serine at codon 1364 is replaced by asparagine, an amino acid with highly similar properties. This amino acid position is highly conserved in available vertebrate species. In addition, in silico predictors for this gene do not accurately predict pathogenicity. Since supporting evidence is limited at this time, the clinical significance of this alteration remains unclear.

Color Diagnostics, LLC DBA Color Health
Classification: Uncertain significance for Hereditary cancer-predisposing syndrome. Last evaluated: 2024-12-16. Review status: criteria provided, single submitter. Criteria: ACMG Guidelines, 2015. Collection method: clinical testing. Allele origin: germline.
Comment: This missense variant replaces serine with asparagine at codon 1364 of the APC protein. Computational prediction suggests that this variant may not impact protein structure and function (internally defined REVEL score threshold <= 0.5, PMID: 27666373). To our knowledge, functional studies have not been reported for this variant. This variant has not been reported in individuals affected with APC-related disorders in the literature. This variant has not been identified in the general population by the Genome Aggregation Database (gnomAD). The available evidence is insufficient to determine the role of this variant in disease conclusively. Therefore, this variant is classified as a Variant of Uncertain Significance.

All of Us Research Program, National Institutes of Health
Classification: Uncertain significance for Classic or attenuated familial adenomatous polyposis. Last evaluated: 2023-06-08. Review status: criteria provided, single submitter. Criteria: ACMG Guidelines, 2015. Collection method: clinical testing. Allele origin: germline. Inheritance: Autosomal dominant inheritance. Observed: 1 variant allele, 1 heterozygote.
Comment: This missense variant replaces serine with asparagine at codon 1364 of the APC protein. Computational prediction suggests that this variant may not impact protein structure and function (internally defined REVEL score threshold <= 0.5, PMID: 27666373). To our knowledge, functional studies have not been reported for this variant. This variant has not been reported in individuals affected with APC-related disorders in the literature. This variant has not been identified in the general population by the Genome Aggregation Database (gnomAD). The available evidence is insufficient to determine the role of this variant in disease conclusively. Therefore, this variant is classified as a Variant of Uncertain Significance.

This study involves interpretation of variants in research participants for the purpose of population health screening. Participant phenotype was not available at the time of variant classification. Additional details can be found in publication PMID: 35346344, PMCID: PMC8962531

GeneDx
Classification: Uncertain significance. Last evaluated: 2023-05-22. Review status: criteria provided, single submitter. Criteria: GeneDx Variant Classification Process June 2021. Collection method: clinical testing. Allele origin: germline. Affected: yes.
Comment: Not observed at significant frequency in large population cohorts (gnomAD); In silico analysis supports that this missense variant does not alter protein structure/function; Has not been previously published as pathogenic or benign to our knowledge; This variant is associated with the following publications: (PMID: 18199528)

Laboratorio de Genetica e Diagnostico Molecular, Hospital Israelita Albert Einstein
Classification: Uncertain significance for Familial adenomatous polyposis 1. Last evaluated: 2022-08-11. Review status: criteria provided, single submitter. Criteria: ACMG Guidelines, 2015. Collection method: clinical testing. Allele origin: germline. Affected: yes. Observed: 1 variant allele.
Comment: ACMG classification criteria: PM2 moderated, BP4 supporting

Institute for Clinical Genetics, University Hospital TU Dresden, University Hospital TU Dresden
Classification: Uncertain significance. Last evaluated: 2021-11-03. Review status: criteria provided, single submitter. Criteria: ACMG Guidelines, 2015. Collection method: clinical testing. Allele origin: germline.

NM_000038.6(APC):c.4091G>A (p.Ser1364Asn)

Gene: APC (APC regulator of Wnt signaling pathway; plus strand). Cytogenetic location: 5q22.2.
Variant type: single nucleotide variant.
Coding change: c.4091G>A on transcript NM_000038.6 (MANE Select); coding-DNA position 4091, G replaced by A.
Protein change: p.Ser1364Asn; replaces serine 1364 with asparagine.
Molecular consequence: missense variant.
Genome position (GRCh38, 1-based): chr5:112,839,685, G>A. VCF-style: chr5-112839685-G-A. GRCh37 (hg19) VCF-style: chr5-112175382-G-A.
Other names: c.4091G>A, p.Ser1364Asn (NM_001127510.3, NM_001354895.2); c.4037G>A, p.Ser1346Asn (NM_001127511.3); c.4145G>A, p.Ser1382Asn (NM_001354896.2); c.4121G>A, p.Ser1374Asn (NM_001354897.2); c.4016G>A, p.Ser1339Asn (NM_001354898.2); c.4007G>A, p.Ser1336Asn (NM_001354899.2); c.3968G>A, p.Ser1323Asn (NM_001354900.2); c.3914G>A, p.Ser1305Asn (NM_001354901.2); and 5 more; short protein forms S1204N, S1374N, S1238N, S1305N, S1323N, S1339N, S1364N, S1263N.
Identifiers: ClinVar variation 651430 (VCV000651430.31), dbSNP rs1391469838, ClinGen allele CA16030290.